The following is an entry in ClinVar:

ClinVar aggregate classification (germline): Uncertain significance (1 of 4 stars; one submission).

Submission:

GeneDx
Classification: Uncertain significance. Last evaluated: 2019-05-08. Review status: criteria provided, single submitter. Criteria: GeneDx Variant Classification Process June 2021. Collection method: clinical testing. Allele origin: germline. Affected: yes.
Comment: Not observed in large population cohorts (Lek et al., 2016); Frameshift variant predicted to result in protein truncation as the last 39 amino acids are lost and replaced with 7 incorrect amino acids, although loss-of-function variants have not been reported downstream of this position in the protein; Has not been previously published as pathogenic or benign to our knowledge

NM_004172.5(SLC1A3):c.1511_1517del (p.Asn504fs)

Genes: SLC1A3 (solute carrier family 1 member 3; plus strand), SLC1A3-AS1 (SLC1A3 antisense RNA 1; minus strand). Cytogenetic location: 5p13.2.
Variant type: Deletion.
Coding change: c.1511_1517del on transcript NM_004172.5 (MANE Select); coding-DNA positions 1511 to 1517, 7 bases deleted (ACAGAGA; older notation c.1511_1517delACAGAGA).
Protein change: p.Asn504fs; shifts the reading frame from asparagine 504.
Molecular consequence: frameshift variant.
Genome position (GRCh38, 1-based): chr5:36,686,151-36,686,157, ACAGAGA deleted; deleting any 7 consecutive bases within chr5:36,686,148-36,686,157 gives the same sequence; the c. name uses the placement nearest the transcript's 3' end. VCF-style (leftmost placement, unchanged base first): chr5-36686147-AAGAACAG-A. GRCh37 (hg19) VCF-style: chr5-36686249-AAGAACAG-A.
Other names: c.1376_1382del, p.Asn459fs (NM_001166695.3); c.1373_1379del, p.Asn458fs (NM_001289939.2); c.1175_1181del, p.Asn392fs (NM_001289940.2); short protein forms N392fs, N458fs, N459fs, N504fs.
Identifiers: ClinVar variation 1305729 (VCV001305729.2), dbSNP rs2111991276, ClinGen allele CA2573052497.